The following is an entry in ClinVar:

ClinVar aggregate classification (germline): Uncertain significance. Review status: criteria provided, multiple submitters, no conflicts (2 of 4 stars). 2 submissions from 2 submitters: Uncertain significance (2). Last evaluated 2023-05-20.

Conditions:
X-linked myopathy with postural muscle atrophy. Also called: FHL1-Related Emery-Dreifuss Muscular Dystrophy, X-Linked. Identifiers: Orphanet 178461, MedGen C2678055, MONDO:0010401, OMIM 300696.

Submissions (2):

Labcorp Genetics (formerly Invitae), Labcorp
Classification: Uncertain significance for X-linked myopathy with postural muscle atrophy. Last evaluated: 2023-05-20. Review status: criteria provided, single submitter. Criteria: Invitae Variant Classification Sherloc (09022015). Collection method: clinical testing. Allele origin: germline.
Comment: ClinVar contains an entry for this variant (Variation ID: 636681). This missense change has been observed in individual(s) with hypertrophic cardiomyopathy (Invitae). This variant is not present in population databases (gnomAD no frequency). This sequence change replaces cysteine, which is neutral and slightly polar, with serine, which is neutral and polar, at codon 273 of the FHL1 protein (p.Cys273Ser). An algorithm developed to predict the effect of missense changes on protein structure and function (PolyPhen-2) suggests that this variant is likely to be disruptive. In summary, the available evidence is currently insufficient to determine the role of this variant in disease. Therefore, it has been classified as a Variant of Uncertain Significance.

Blueprint Genetics
Classification: Uncertain significance. Last evaluated: 2018-06-12. Review status: criteria provided, single submitter. Criteria: ACMG Guidelines, 2015. Collection method: clinical testing. Allele origin: germline.

NM_001159699.2(FHL1):c.866G>C (p.Cys289Ser)

Gene: FHL1 (four and a half LIM domains 1; plus strand). Cytogenetic location: Xq26.3.
Variant type: single nucleotide variant.
Coding change: c.866G>C on transcript NM_001159699.2 (MANE Select); coding-DNA position 866, G replaced by C.
Protein change: p.Cys289Ser; replaces cysteine 289 with serine.
Molecular consequence: missense variant. On other transcripts: 3 prime UTR variant (6), non-coding transcript variant (1).
Genome position (GRCh38, 1-based): chrX:136,210,000, G>C. VCF-style: chrX-136210000-G-C. GRCh37 (hg19) VCF-style: chrX-135292159-G-C.
Other names: c.818G>C, p.Cys273Ser (NM_001159700.2, NM_001159704.1, NM_001167819.1 and 4 more transcripts); c.905G>C, p.Cys302Ser (NM_001159701.2); c.*46G>C (NM_001159702.3, NM_001159703.2, NM_001330659.2 and 3 more transcripts); short protein forms C273S, C289S, C302S.
Identifiers: ClinVar variation 636681 (VCV000636681.6), dbSNP rs1603273709, ClinGen allele CA414609908.
Genomic context (GRCh38, chrX:136,210,000, plus strand): 5'-AAAAATGCTCCGTGAATCTGGCCAACAAGCGCTTTGTTTTCCACCAGGAGCAAGTGTATT[G>C]TCCCGACTGTGCCAAAAAGCTGTAAACTGACAGGGGCTCCTGTCCTGTAAAATGGCATTT-3'
Protein context (NP_001153171.1, residues 279-296): RFVFHQEQVY[Cys289Ser]PDCAKKL